The following is an entry in ClinVar:

ClinVar aggregate classification (germline): Conflicting classifications of pathogenicity. Review status: criteria provided, conflicting classifications (1 of 4 stars). 3 submissions from 3 submitters: Uncertain significance (2); Likely benign (1). Last evaluated 2025-02-19.

Conditions:
Inborn genetic diseases. Identifiers: MedGen C0950123, MeSH D030342.
Cerebral cavernous malformation 2. Also called: Familial Cerebral Cavernous Malformation 2. Identifiers: Orphanet 221061, MedGen C1864041, MONDO:0011304, OMIM 603284.

Allele frequency attached by ClinVar (database versions not stated): TOPMed below 0.00001; gnomAD exomes 0.00002; ExAC 0.00003.
gnomAD v4.1: 31 of 1,613,238 alleles (0.0019%); highest among the groups gnomAD compares: South Asian, 0.03%; no homozygotes.

Submissions (3):

Ambry Genetics
Classification: Likely benign for Inborn genetic diseases. Last evaluated: 2025-02-19. Review status: criteria provided, single submitter. Criteria: Ambry Variant Classification Scheme 2023. Collection method: clinical testing. Allele origin: germline.

Labcorp Genetics (formerly Invitae), Labcorp
Classification: Uncertain significance for Cerebral cavernous malformation 2. Last evaluated: 2025-01-14. Review status: criteria provided, single submitter. Criteria: Invitae Variant Classification Sherloc (09022015). Collection method: clinical testing. Allele origin: germline.
Comment: This sequence change replaces serine, which is neutral and polar, with tyrosine, which is neutral and polar, at codon 398 of the CCM2 protein (p.Ser398Tyr). This variant is present in population databases (rs750632206, gnomAD 0.04%). This variant has not been reported in the literature in individuals affected with CCM2-related conditions. ClinVar contains an entry for this variant (Variation ID: 2663568). Invitae Evidence Modeling of protein sequence and biophysical properties (such as structural, functional, and spatial information, amino acid conservation, physicochemical variation, residue mobility, and thermodynamic stability) indicates that this missense variant is not expected to disrupt CCM2 protein function with a negative predictive value of 80%. In summary, the available evidence is currently insufficient to determine the role of this variant in disease. Therefore, it has been classified as a Variant of Uncertain Significance.

GeneDx
Classification: Uncertain significance. Last evaluated: 2024-10-23. Review status: criteria provided, single submitter. Criteria: GeneDx Variant Classification Process June 2021. Collection method: clinical testing. Allele origin: germline.
Comment: In silico analysis supports that this missense variant has a deleterious effect on protein structure/function; Has not been previously published as pathogenic or benign to our knowledge

NM_031443.4(CCM2):c.1193C>A (p.Ser398Tyr)

Gene: CCM2 (CCM2 scaffold protein; plus strand). Cytogenetic location: 7p13.
Variant type: single nucleotide variant.
Coding change: c.1193C>A on transcript NM_031443.4 (MANE Select); coding-DNA position 1193, C replaced by A.
Protein change: p.Ser398Tyr; replaces serine 398 with tyrosine.
Molecular consequence: missense variant. On other transcripts: non-coding transcript variant (1).
Genome position (GRCh38, 1-based): chr7:45,075,915, C>A. VCF-style: chr7-45075915-C-A. GRCh37 (hg19) VCF-style: chr7-45115514-C-A.
Other names: c.1256C>A, p.Ser419Tyr (NM_001029835.2); c.1019C>A, p.Ser340Tyr (NM_001167934.2); c.920C>A, p.Ser307Tyr (NM_001167935.2); c.1316C>A, p.Ser439Tyr (NM_001363458.2); c.1142C>A, p.Ser381Tyr (NM_001363459.2); short protein forms S307Y, S340Y, S381Y, S398Y, S419Y, S439Y.
Identifiers: ClinVar variation 2663568 (VCV002663568.5), dbSNP rs750632206, ClinGen allele CA4247280.